The following is an entry in ClinVar:

ClinVar aggregate classification (germline): Uncertain significance (1 of 4 stars; one submission).

Conditions:
Hereditary cancer-predisposing syndrome. Also called: Neoplastic Syndromes, Hereditary; Tumor predisposition; Hereditary neoplastic syndrome; Hereditary Cancer Syndrome. Identifiers: Orphanet 140162, MedGen C0027672, MeSH D009386, MONDO:0015356.

Submission:

Ambry Genetics
Classification: Uncertain significance for Hereditary cancer-predisposing syndrome. Last evaluated: 2024-02-28. Review status: criteria provided, single submitter. Criteria: Ambry Variant Classification Scheme 2023. Collection method: clinical testing. Allele origin: germline.
Comment: The p.A4P variant (also known as c.10G>C), located in coding exon 1 of the NF2 gene, results from a G to C substitution at nucleotide position 10. The alanine at codon 4 is replaced by proline, an amino acid with highly similar properties. This amino acid position is conserved. In addition, the in silico prediction for this alteration is inconclusive. Based on the available evidence, the clinical significance of this alteration remains unclear.

NM_000268.4(NF2):c.10G>C (p.Ala4Pro)

Gene: NF2 (NF2, moesin-ezrin-radixin like (MERLIN) tumor suppressor; plus strand). Cytogenetic location: 22q12.2.
Variant type: single nucleotide variant.
Coding change: c.10G>C on transcript NM_000268.4 (MANE Select); coding-DNA position 10, G replaced by C.
Protein change: p.Ala4Pro; replaces alanine 4 with proline.
Molecular consequence: missense variant. On other transcripts: 5 prime UTR variant (4), non-coding transcript variant (1).
Genome position (GRCh38, 1-based): chr22:29,604,008, G>C. VCF-style: chr22-29604008-G-C. GRCh37 (hg19) VCF-style: chr22-29999997-G-C.
Other names: c.-221G>C (NM_001407053.1, NM_001407056.1); c.10G>C, p.Ala4Pro (NM_001407054.1, NM_001407055.1, NM_001407057.1 and 15 more transcripts); c.-631G>C (NM_001407065.1); c.-247G>C (NM_001407067.1); short protein forms A4P.
Identifiers: ClinVar variation 3231069 (VCV003231069.1), dbSNP rs2146659577, ClinGen allele CA411145716.